The following is an entry in ClinVar:

NM_003098.3(SNTA1):c.160G>A (p.Gly54Ser)

Gene: SNTA1 (syntrophin alpha 1; minus strand). Cytogenetic location: 20q11.21.
Variant type: single nucleotide variant.
Coding change: c.160G>A on transcript NM_003098.3 (MANE Select); coding-DNA position 160, G replaced by A.
Protein change: p.Gly54Ser; replaces glycine 54 with serine.
Molecular consequence: missense variant.
Genome position (GRCh38, 1-based): chr20:33,443,461, C>T on the plus strand (G>A on the coding strand, the complement: SNTA1 is on the minus strand). VCF-style: chr20-33443461-C-T. GRCh37 (hg19) VCF-style: chr20-32031267-C-T.
Other names: c.160G>A, p.Gly54Ser (NM_001424413.1, NM_001424414.1); short protein forms G54S.
Identifiers: ClinVar variation 3664975 (VCV003664975.2).

ClinVar aggregate classification (germline): Uncertain significance (1 of 4 stars; one submission).

Conditions:
Long QT syndrome (LQTS). Identifiers: MedGen C0023976, MeSH D008133, MONDO:0002442. Disease mechanism: loss of function. Inheritance: Various modes of inheritance.

Submission:

Labcorp Genetics (formerly Invitae), Labcorp
Classification: Uncertain significance for Long QT syndrome. Last evaluated: 2024-09-11. Review status: criteria provided, single submitter. Criteria: Invitae Variant Classification Sherloc (09022015). Collection method: clinical testing. Allele origin: germline.
Comment: This sequence change replaces glycine, which is neutral and non-polar, with serine, which is neutral and polar, at codon 54 of the SNTA1 protein (p.Gly54Ser). This variant is not present in population databases (gnomAD no frequency). This variant has not been reported in the literature in individuals affected with SNTA1-related conditions. An algorithm developed to predict the effect of missense changes on protein structure and function (PolyPhen-2) suggests that this variant is likely to be tolerated. In summary, the available evidence is currently insufficient to determine the role of this variant in disease. Therefore, it has been classified as a Variant of Uncertain Significance.